The following is an entry in ClinVar:

ClinVar aggregate classification (germline): Likely benign (1 of 4 stars; one submission).

Allele frequency attached by ClinVar (database versions not stated): ExAC 0.00001; gnomAD 0.00001; TOPMed 0.00001.

Submission:

CeGaT Center for Human Genetics Tuebingen
Classification: Likely benign. Last evaluated: 2024-04-01. Review status: criteria provided, single submitter. Criteria: CeGaT Center For Human Genetics Tuebingen Variant Classification Criteria Version 2. Collection method: clinical testing. Allele origin: germline. Affected: yes. Observed: 1 variant allele.
Comment: DPP6: BP4, BP7

NM_130797.4(DPP6):c.1599T>G (p.Val533=)

Gene: DPP6 (dipeptidyl peptidase like 6; plus strand). Cytogenetic location: 7q36.2.
Variant type: single nucleotide variant.
Coding change: c.1599T>G on transcript NM_130797.4 (MANE Select); coding-DNA position 1599, T replaced by G.
Protein change: p.Val533=; no amino-acid change (valine 533 retained).
Molecular consequence: synonymous variant. On other transcripts: non-coding transcript variant (2).
Genome position (GRCh38, 1-based): chr7:154,807,045, T>G. VCF-style: chr7-154807045-T-G. GRCh37 (hg19) VCF-style: chr7-154598755-T-G.
Other names: c.1407T>G, p.Val469= (NM_001039350.3); c.1278T>G, p.Val426= (NM_001290252.2); c.1416T>G, p.Val472= (NM_001364497.2, NM_001364498.2, NM_001364499.2 and 1 more transcripts); c.1413T>G, p.Val471= (NM_001936.5).
Identifiers: ClinVar variation 3234292 (VCV003234292.20), dbSNP rs761134746, ClinGen allele CA4583615.